The following is an entry in ClinVar:

NM_007294.4(BRCA1):c.4906A>C (p.Lys1636Gln)

Gene: BRCA1 (BRCA1 DNA repair associated; minus strand). Cytogenetic location: 17q21.31.
Variant type: single nucleotide variant.
Coding change: c.4906A>C on transcript NM_007294.4 (MANE Select); coding-DNA position 4906, A replaced by C.
Protein change: p.Lys1636Gln; replaces lysine 1636 with glutamine.
Molecular consequence: missense variant. On other transcripts: non-coding transcript variant (1).
Genome position (GRCh38, 1-based): chr17:43,071,008, T>G on the plus strand (A>C on the coding strand, the complement: BRCA1 is on the minus strand). VCF-style: chr17-43071008-T-G. GRCh37 (hg19) VCF-style: chr17-41223025-T-G.
Other names: c.4693A>C, p.Lys1565Gln (NM_001407571.1, NM_001407897.1, NM_001407898.1 and 12 more transcripts); c.4972A>C, p.Lys1658Gln (NM_001407581.1, NM_001407582.1); c.4969A>C, p.Lys1657Gln (NM_001407583.1, NM_001407585.1, NM_001407587.1 and 1 more transcripts); c.4966A>C, p.Lys1656Gln (NM_001407590.1, NM_001407591.1); c.4906A>C, p.Lys1636Gln (NM_001407593.1, NM_001407594.1, NM_001407596.1 and 8 more transcripts); c.4903A>C, p.Lys1635Gln (NM_001407610.1, NM_001407611.1, NM_001407612.1 and 17 more transcripts); c.4900A>C, p.Lys1634Gln (NM_001407627.1, NM_001407628.1, NM_001407629.1 and 14 more transcripts); c.4894A>C, p.Lys1632Gln (NM_001407646.1); and 70 more; short protein forms K1657Q, K1589Q, K1636Q, K532Q, K1340Q, K1467Q, K1523Q, K1524Q.
Identifiers: ClinVar variation 865402 (VCV000865402.3), dbSNP rs2052382533, ClinGen allele CA10591713.

Conditions:
Breast-ovarian cancer, familial, susceptibility to, 1 (BROVCA1). Also called: BRCA1 Hereditary Breast and Ovarian Cancer; OVARIAN CANCER, SUSCEPTIBILITY TO. Identifiers: Orphanet 145, MedGen C2676676, MONDO:0011450, OMIM 604370. Disease mechanism: loss of function.

Submission:

Brotman Baty Institute, University of Washington
No classification provided (evidence only). Condition: Breast-ovarian cancer, familial 1. Review status: no classification provided. Collection method: in vitro. Allele origin: not applicable. Functional consequence: functionally_normal.
ClinVar note: "not provided" was previously submitted as the classification for the variant. However, the classification appeared to be based only on an observation of functional data so it was converted to no classification on 2025-07-30.